The following is an entry in ClinVar:

ClinVar aggregate classification (germline): Uncertain significance (1 of 4 stars; one submission).

Conditions:
Hereditary nonpolyposis colorectal neoplasms. Identifiers: MedGen C0009405, MeSH D003123.

Submission:

Labcorp Genetics (formerly Invitae), Labcorp
Classification: Uncertain significance for Hereditary nonpolyposis colorectal neoplasms. Last evaluated: 2018-12-06. Review status: criteria provided, single submitter. Criteria: Invitae Variant Classification Sherloc (09022015). Collection method: clinical testing. Allele origin: germline.
Comment: In summary, the available evidence is currently insufficient to determine the role of this variant in disease. Therefore, it has been classified as a Variant of Uncertain Significance. This sequence change replaces aspartic acid with tyrosine at codon 422 of the MSH6 protein (p.Asp422Tyr). The aspartic acid residue is highly conserved and there is a large physicochemical difference between aspartic acid and tyrosine. This variant is not present in population databases (ExAC no frequency). This variant has not been reported in the literature in individuals with MSH6-related conditions. Algorithms developed to predict the effect of missense changes on protein structure and function (SIFT, PolyPhen-2, Align-GVGD) all suggest that this variant is likely to be disruptive, but these predictions have not been confirmed by published functional studies and their clinical significance is uncertain.

NM_000179.3(MSH6):c.1264G>T (p.Asp422Tyr)

Gene: MSH6 (mutS homolog 6; plus strand). Cytogenetic location: 2p16.3.
Variant type: single nucleotide variant.
Coding change: c.1264G>T on transcript NM_000179.3 (MANE Select); coding-DNA position 1264, G replaced by T.
Protein change: p.Asp422Tyr; replaces aspartic acid 422 with tyrosine.
Molecular consequence: missense variant.
Genome position (GRCh38, 1-based): chr2:47,799,247, G>T. VCF-style: chr2-47799247-G-T. GRCh37 (hg19) VCF-style: chr2-48026386-G-T.
Other names: c.874G>T, p.Asp292Tyr (NM_001281492.2); c.358G>T, p.Asp120Tyr (NM_001281493.2, NM_001281494.2); short protein forms D120Y, D422Y, D292Y.
Identifiers: ClinVar variation 657163 (VCV000657163.9), dbSNP rs1423874192, ClinGen allele CA346743951.
Genomic context (GRCh38, chr2:47,799,247, plus strand): 5'-TTCCTCAATTCTTGTACTCCTGGGATGAGGAAGTGGTGGCAGATTAAGTCTCAGAACTTT[G>T]ATCTTGTCATCTGTTACAAGGTGGGGAAATTTTATGAGCTGTACCACATGGATGCTCTTA-3'
Protein context (NP_000170.1, residues 412-432): KWWQIKSQNF[Asp422Tyr]LVICYKVGKF